The following is an entry in ClinVar:

NM_000059.4(BRCA2):c.6059_6062del (p.Glu2020fs)

Gene: BRCA2 (BRCA2 DNA repair associated; plus strand). Cytogenetic location: 13q13.1.
Variant type: Deletion.
Coding change: c.6059_6062del on transcript NM_000059.4 (MANE Select); coding-DNA positions 6059 to 6062, 4 bases deleted (AACA; older notation c.6059_6062delAACA).
Protein change: p.Glu2020fs; shifts the reading frame from glutamic acid 2020.
Molecular consequence: frameshift variant.
Genome position (GRCh38, 1-based): chr13:32,340,414-32,340,417, AACA deleted. VCF-style (leftmost placement, unchanged base first): chr13-32340413-GAACA-G. GRCh37 (hg19) VCF-style: chr13-32914550-GAACA-G.
Other names: p.Glu2020Valfs*19; 6287del4; c.6059_6062delAACA (NM_000059.3).
Identifiers: ClinVar variation 91435 (VCV000091435.52), dbSNP rs398122546, ClinGen allele CA023582.

ClinVar aggregate classification (germline): Pathogenic. Review status: reviewed by expert panel (3 of 4 stars). 18 submissions from 18 submitters: Pathogenic (1). 17 of the submissions do not count toward it. Last evaluated 2016-09-08.

Conditions:
Hereditary cancer-predisposing syndrome. Also called: Tumor predisposition; Hereditary Cancer Syndrome; Neoplastic Syndromes, Hereditary; Hereditary neoplastic syndrome. Identifiers: Orphanet 140162, MedGen C0027672, MeSH D009386, MONDO:0015356.
Hereditary breast ovarian cancer syndrome. Also called: Breast and ovarian cancer; Hereditary breast and ovarian cancer; Hereditary breast and ovarian cancer syndrome; BRCA1- and BRCA2-Associated Hereditary Breast and Ovarian Cancer; Hereditary breast and ovarian cancer syndrome (HBOC); Hereditary breast and/or ovarian cancer syndrome. Identifiers: Orphanet 145, MedGen C0677776, MeSH D061325, MONDO:0003582. Disease mechanism: loss of function.
Inherited breast cancer and ovarian cancer.
Breast-ovarian cancer, familial, susceptibility to, 2 (BROVCA2). Also called: BRCA2 Hereditary Breast and Ovarian Cancer. Identifiers: Orphanet 145, MedGen C2675520, MONDO:0012933, OMIM 612555. Disease mechanism: loss of function.
Malignant tumor of breast. Also called: Malignant breast neoplasm; Cancer breast. Identifiers: MedGen C0006142, MONDO:0007254. Disease mechanism: loss of function.

Allele frequency attached by ClinVar (database versions not stated): gnomAD exomes below 0.00001.

Submissions 1 to 12 of 18:

Evidence-based Network for the Interpretation of Germline Mutant Alleles (ENIGMA)
Classification: Pathogenic for Breast-ovarian cancer, familial, susceptibility to, 2. Last evaluated: 2016-09-08. Review status: reviewed by expert panel. Criteria: ENIGMA BRCA1/2 Classification Criteria (2015). Collection method: curation. Allele origin: germline.
Comment: Variant allele predicted to encode a truncated non-functional protein.

GeneDx
Classification: Pathogenic. Last evaluated: 2025-09-28. Review status: criteria provided, single submitter. Criteria: GeneDx Variant Classification Process June 2021. Collection method: clinical testing. Allele origin: germline. Affected: yes. Not counted in ClinVar's aggregate classification.
Comment: Frameshift variant predicted to result in protein truncation or nonsense mediated decay in a gene for which loss of function is a known mechanism of disease; Truncating variants in this gene are considered pathogenic by a well-established clinical consortium and/or database; Not observed at significant frequency in large population cohorts (gnomAD); Also known as 6287_6290delAACA; This variant is associated with the following publications: (PMID: 28281021, 30787465, 37563628, 29446198, 33471991, 28637432, 33087929, 31853058, 29339979)

Color Diagnostics, LLC DBA Color Health
Classification: Pathogenic for Hereditary cancer-predisposing syndrome. Last evaluated: 2025-09-03. Review status: criteria provided, single submitter. Criteria: ACMG Guidelines, 2015. Collection method: clinical testing. Allele origin: germline. Not counted in ClinVar's aggregate classification.
Comment: This variant deletes 4 nucleotides in exon 11 of the BRCA2 gene, creating a frameshift and premature translation stop signal. This variant is expected to result in an absent or non-functional protein product. This variant has been reported in an individual affected with breast cancer (PMID: 28637432) and in several suspected hereditary breast and ovarian cancer families (PMID: 29446198, 15951958, 9836472). This variant also has been detected in a breast cancer case-control meta-analysis in 1/60466 cases and 0/53461 unaffected individuals (PMID: 33471991Leiden Open Variation Database DB-ID BRCA2_000694). A multifactorial analysis has reached a combined likelihood ratio (LR) of 6.722 based on reported LR for co-occurrence with a pathogenic variant and personal and family history for 1 carrier (PMID: 31853058). This variant has not been identified in the general population by the Genome Aggregation Database (gnomAD). Loss of BRCA2 function is a known mechanism of disease. Based on the available evidence, this variant is classified as Pathogenic.

Genetics Laboratory, Great Ormond Street Hospital NHS Foundation Trust, North Thames Genomic Laboratory Hub
Classification: Pathogenic for Inherited breast cancer and ovarian cancer. Last evaluated: 2025-08-26. Review status: criteria provided, single submitter. Criteria: CanVIG BRCA Gene Specific V1.22. Collection method: clinical testing. Allele origin: germline. Affected: yes. Not counted in ClinVar's aggregate classification.
Comment: PS4_supporting, PM2_moderate, PVS1_very-strong, PM5_strong

Ambry Genetics
Classification: Pathogenic for Hereditary cancer-predisposing syndrome. Last evaluated: 2025-07-22. Review status: criteria provided, single submitter. Criteria: Ambry Variant Classification Scheme 2023. Collection method: clinical testing. Allele origin: germline. Not counted in ClinVar's aggregate classification.
Comment: The c.6059_6062delAACA pathogenic mutation, located in coding exon 10 of the BRCA2 gene, results from a deletion of 4 nucleotides at nucleotide positions 6059 to 6062, causing a translational frameshift with a predicted alternate stop codon (p.E2020Vfs*19). In a large, clinic-based BRCA1/2 testing cohort in Norway, this variant was detected in 4 families (Heramb C. et al. Hered Cancer Clin Pract. 2018 Jan;16:3). This variant is considered to be rare based on population cohorts in the Genome Aggregation Database (gnomAD). This alteration is expected to result in loss of function by premature protein truncation or nonsense-mediated mRNA decay. As such, this alteration is interpreted as a disease-causing mutation.

Labcorp Genetics (formerly Invitae), Labcorp
Classification: Pathogenic for Hereditary breast ovarian cancer syndrome. Last evaluated: 2025-03-02. Review status: criteria provided, single submitter. Criteria: Invitae Variant Classification Sherloc (09022015). Collection method: clinical testing. Allele origin: germline. Not counted in ClinVar's aggregate classification.
Comment: This sequence change creates a premature translational stop signal (p.Glu2020Valfs*19) in the BRCA2 gene. It is expected to result in an absent or disrupted protein product. Loss-of-function variants in BRCA2 are known to be pathogenic (PMID: 20104584). This variant is not present in population databases (gnomAD no frequency). This premature translational stop signal has been observed in individual(s) with breast cancer (PMID: 15951958, 28637432). ClinVar contains an entry for this variant (Variation ID: 91435). For these reasons, this variant has been classified as Pathogenic.

Genomics and Molecular Medicine Service, East Genomic Laboratory Hub, NHS Genomic Medicine Service
Classification: Pathogenic for Inherited breast cancer and ovarian cancer. Last evaluated: 2024-10-08. Review status: criteria provided, single submitter. Criteria: ACGS Best Practice Guidelines for Variant Classification in Rare Disease 2020. Collection method: clinical testing. Allele origin: germline. Affected: yes. Not counted in ClinVar's aggregate classification.
Comment: PVS1,PM5_Strong

Mayo Clinic Laboratories, Mayo Clinic
Classification: Pathogenic. Last evaluated: 2024-06-10. Review status: criteria provided, single submitter. Criteria: ACMG Guidelines, 2015. Collection method: clinical testing. Allele origin: germline. Observed: 1 variant allele. Not counted in ClinVar's aggregate classification.
Comment: PM2, PM5_strong, PVS1

Clinical Genetics Laboratory, Skane University Hospital Lund
Classification: Pathogenic. Last evaluated: 2022-05-27. Review status: criteria provided, single submitter. Criteria: ACMG Guidelines, 2015. Collection method: clinical testing. Allele origin: germline. Affected: yes. Not counted in ClinVar's aggregate classification.

Women's Health and Genetics/Laboratory Corporation of America, LabCorp
Classification: Pathogenic for Hereditary breast ovarian cancer syndrome. Last evaluated: 2021-08-02. Review status: criteria provided, single submitter. Criteria: LabCorp Variant Classification Summary - May 2015. Collection method: clinical testing. Allele origin: germline. Not counted in ClinVar's aggregate classification.
Comment: Variant summary: BRCA2 c.6059_6062delAACA (p.Glu2020ValfsX19) results in a premature termination codon, predicted to cause a truncation of the encoded protein or absence of the protein due to nonsense mediated decay, which are commonly known mechanisms for disease. Truncations downstream of this position have been classified as pathogenic by our laboratory. The variant was absent in 250910 control chromosomes. c.6059_6062delAACA has been reported in the literature in multiple individuals affected with Hereditary Breast And Ovarian Cancer Syndrome (example, Rebbeck_2018). These data indicate that the variant is very likely to be associated with disease. To our knowledge, no experimental evidence demonstrating an impact on protein function has been reported. Multiple clinical diagnostic laboratories, an expert panel (ENIGMA) and a consotrium (CIMBA) have submitted clinical-significance assessments for this variant to ClinVar after 2014 without evidence for independent evaluation. All submitters classified the variant as pathogenic. Based on the evidence outlined above, the variant was classified as pathogenic.

Laboratory for Molecular Medicine, Mass General Brigham Personalized Medicine
Classification: Pathogenic for Hereditary breast ovarian cancer syndrome. Last evaluated: 2019-10-14. Review status: criteria provided, single submitter. Criteria: ACMG Guidelines, 2015. Collection method: clinical testing. Allele origin: germline. Not counted in ClinVar's aggregate classification.
Comment: The p.Glu2020ValfsX19 variant in BRCA2 has been reported in at least 6 families with breast cancer (Heramb 2018, Bergman 2005, Grindedal 2017). It was absent from large population studies. This variant is predicted to cause a frameshift, which alters the protein’s amino acid sequence beginning at position 2020 and leads to a premature termination codon 19 amino acids downstream. This alteration is then predicted to lead to a truncated or absent protein. Loss of function of the BRCA2 gene is an established disease mechanism in autosomal dominant hereditary breast and ovarian cancer syndrome (HBOC). Additionally, this variant was classified as Pathogenic on Sept 8, 2016 by the ClinGen-approved ENIGMA expert panel (Variation ID: 91435). In summary, this variant meets criteria to be classified as pathogenic for autosomal dominant HBOC. ACMG/AMP Criteria applied: PVS1, PM2, PS4_Moderate.

Clinical Genetics and Genomics, Karolinska University Hospital
Classification: Pathogenic. Last evaluated: 2018-05-29. Review status: criteria provided, single submitter. Criteria: ACMG Guidelines, 2015. Collection method: clinical testing. Allele origin: germline. Affected: yes. Observed: 1 variant allele. Not counted in ClinVar's aggregate classification.